The following is an entry in ClinVar:

NM_001375567.1(FOCAD):c.64G>A (p.Gly22Ser)

Gene: FOCAD (focadhesin; plus strand). Cytogenetic location: 9p21.3.
Variant type: single nucleotide variant.
Coding change: c.64G>A on transcript NM_001375567.1 (MANE Select); coding-DNA position 64, G replaced by A.
Protein change: p.Gly22Ser; replaces glycine 22 with serine.
Molecular consequence: missense variant.
Genome position (GRCh38, 1-based): chr9:20,717,800, G>A. VCF-style: chr9-20717800-G-A. GRCh37 (hg19) VCF-style: chr9-20717799-G-A.
Other names: c.64G>A, p.Gly22Ser (NM_001375568.1, NM_001375570.1, NM_017794.5); short protein forms G22S.
Identifiers: ClinVar variation 3721296 (VCV003721296.2).

ClinVar aggregate classification (germline): Uncertain significance (1 of 4 stars; one submission).

Submission:

Labcorp Genetics (formerly Invitae), Labcorp
Classification: Uncertain significance. Last evaluated: 2024-09-22. Review status: criteria provided, single submitter. Criteria: Invitae Variant Classification Sherloc (09022015). Collection method: clinical testing. Allele origin: germline.
Comment: This sequence change replaces glycine, which is neutral and non-polar, with serine, which is neutral and polar, at codon 22 of the FOCAD protein (p.Gly22Ser). This variant is not present in population databases (gnomAD no frequency). This variant has not been reported in the literature in individuals affected with FOCAD-related conditions. Experimental studies and prediction algorithms are not available or were not evaluated, and the functional significance of this variant is currently unknown. In summary, the available evidence is currently insufficient to determine the role of this variant in disease. Therefore, it has been classified as a Variant of Uncertain Significance.